The following is an entry in ClinVar:

ClinVar aggregate classification (germline): Likely benign. Review status: reviewed by expert panel (3 of 4 stars). 5 submissions from 5 submitters: Likely benign (1). 4 of the submissions do not count toward it. Last evaluated 2017-06-29.

Conditions:
Hereditary breast ovarian cancer syndrome. Also called: Breast and ovarian cancer; Hereditary breast and ovarian cancer; Hereditary breast and ovarian cancer syndrome; Hereditary breast and/or ovarian cancer syndrome; BRCA1- and BRCA2-Associated Hereditary Breast and Ovarian Cancer; Hereditary breast and ovarian cancer syndrome (HBOC). Identifiers: Orphanet 145, MedGen C0677776, MeSH D061325, MONDO:0003582. Disease mechanism: loss of function.
Breast-ovarian cancer, familial, susceptibility to, 1 (BROVCA1). Also called: BRCA1 Hereditary Breast and Ovarian Cancer; OVARIAN CANCER, SUSCEPTIBILITY TO. Identifiers: Orphanet 145, MedGen C2676676, MONDO:0011450, OMIM 604370. Disease mechanism: loss of function.
Hereditary cancer-predisposing syndrome. Also called: Tumor predisposition; Hereditary Cancer Syndrome; Neoplastic Syndromes, Hereditary; Hereditary neoplastic syndrome. Identifiers: Orphanet 140162, MedGen C0027672, MeSH D009386, MONDO:0015356.

Allele frequency attached by ClinVar (database versions not stated): TOPMed 0.00001.
gnomAD v4.1: 2 of 1,609,654 alleles (0.00012%); highest among the groups gnomAD compares: Admixed American, 0.0034%; no homozygotes.

Submissions (5):

Evidence-based Network for the Interpretation of Germline Mutant Alleles (ENIGMA)
Classification: Likely benign for Breast-ovarian cancer, familial, susceptibility to, 1. Last evaluated: 2017-06-29. Review status: reviewed by expert panel. Criteria: ENIGMA BRCA1/2 Classification Criteria (2017-06-29). Collection method: curation. Allele origin: germline.
Comment: Synonymous substitution variant, with low bioinformatic likelihood to result in a splicing aberration (Splicing prior probability 0.02).

Labcorp Genetics (formerly Invitae), Labcorp
Classification: Likely benign for Hereditary breast ovarian cancer syndrome. Last evaluated: 2026-01-27. Review status: criteria provided, single submitter. Criteria: Invitae Variant Classification Sherloc (09022015). Collection method: clinical testing. Allele origin: germline. Not counted in ClinVar's aggregate classification.

Women's Health and Genetics/Laboratory Corporation of America, LabCorp
Classification: Likely benign. Last evaluated: 2019-08-21. Review status: criteria provided, single submitter. Criteria: LabCorp Variant Classification Summary - May 2015. Collection method: clinical testing. Allele origin: germline. Not counted in ClinVar's aggregate classification.

GeneDx
Classification: Likely benign. Last evaluated: 2017-01-02. Review status: criteria provided, single submitter. Criteria: GeneDx Variant Classification (06012015). Collection method: clinical testing. Allele origin: germline. Affected: yes. Not counted in ClinVar's aggregate classification.
Comment: This variant is considered likely benign or benign based on one or more of the following criteria: it is a conservative change, it occurs at a poorly conserved position in the protein, it is predicted to be benign by multiple in silico algorithms, and/or has population frequency not consistent with disease.

Ambry Genetics
Classification: Likely benign for Hereditary cancer-predisposing syndrome. Last evaluated: 2015-02-23. Review status: criteria provided, single submitter. Criteria: Ambry Variant Classification Scheme 2023. Collection method: clinical testing. Allele origin: germline. Not counted in ClinVar's aggregate classification.

NM_007294.4(BRCA1):c.4179C>T (p.Thr1393=)

Gene: BRCA1 (BRCA1 DNA repair associated; minus strand). Cytogenetic location: 17q21.31.
Variant type: single nucleotide variant.
Coding change: c.4179C>T on transcript NM_007294.4 (MANE Select); coding-DNA position 4179, C replaced by T.
Protein change: p.Thr1393=; no amino-acid change (threonine 1393 retained).
Molecular consequence: synonymous variant.
Genome position (GRCh38, 1-based): chr17:43,090,950, G>A on the plus strand (C>T on the coding strand, the complement: BRCA1 is on the minus strand). VCF-style: chr17-43090950-G-A. GRCh37 (hg19) VCF-style: chr17-41242967-G-A.
Other names: c.4038C>T, p.Thr1346= (NM_001407942.1, NM_001407944.1, NM_001407945.1 and 29 more transcripts); c.4035C>T, p.Thr1345= (NM_001407943.1, NM_001407964.1, NM_001407740.1 and 20 more transcripts); c.3846C>T, p.Thr1282= (NM_001407946.1, NM_001407947.1, NM_001407948.1 and 6 more transcripts); c.3843C>T, p.Thr1281= (NM_001407954.1, NM_001407955.1, NM_001407956.1 and 1 more transcripts); c.3798C>T, p.Thr1266= (NM_001407959.1, NM_001407960.1, NM_001407963.1); c.3966C>T, p.Thr1322= (NM_001407571.1, NM_001407853.1, NM_001407894.1 and 9 more transcripts); c.4179C>T, p.Thr1393= (NM_001407581.1, NM_001407582.1, NM_001407583.1 and 30 more transcripts); c.3795C>T, p.Thr1265= (NM_001407962.1); and 41 more.
Identifiers: ClinVar variation 230701 (VCV000230701.19), dbSNP rs753735698, ClinGen allele CA10580533.